The following is an entry in ClinVar:

ClinVar aggregate classification (germline): Uncertain significance (1 of 4 stars; one submission).

Conditions:
Inborn genetic diseases. Identifiers: MedGen C0950123, MeSH D030342.

Submission:

Ambry Genetics
Classification: Uncertain significance for Inborn genetic diseases. Last evaluated: 2026-01-24. Review status: criteria provided, single submitter. Criteria: Ambry Variant Classification Scheme 2023. Collection method: clinical testing. Allele origin: germline.
Comment: The p.E326A variant (also known as c.977A>C), located in coding exon 3 of the MBD4 gene, results from an A to C substitution at nucleotide position 977. The glutamic acid at codon 326 is replaced by alanine, an amino acid with dissimilar properties. This amino acid position is conserved. In addition, this alteration is predicted to be tolerated by in silico analysis. Based on the available evidence, the clinical significance of this variant remains unclear.

NM_001276270.2(MBD4):c.977A>C (p.Glu326Ala)

Gene: MBD4 (methyl-CpG binding domain 4, DNA glycosylase; minus strand). Cytogenetic location: 3q21.3.
Variant type: single nucleotide variant.
Coding change: c.977A>C on transcript NM_001276270.2 (MANE Select); coding-DNA position 977, A replaced by C.
Protein change: p.Glu326Ala; replaces glutamic acid 326 with alanine.
Molecular consequence: missense variant. On other transcripts: intron variant (1).
Genome position (GRCh38, 1-based): chr3:129,436,667, T>G on the plus strand (A>C on the coding strand, the complement: MBD4 is on the minus strand). VCF-style: chr3-129436667-T-G. GRCh37 (hg19) VCF-style: chr3-129155510-T-G.
Other names: c.977A>C, p.Glu326Ala (NM_001276271.2, NM_001276272.2, NM_003925.3); c.247+1141A>C (NM_001276273.2); short protein forms E326A.
Identifiers: ClinVar variation 4825698 (VCV004825698.1).
Genomic context (GRCh38, chr3:129,436,667, plus strand): 5'-TCGTTGTGTTCTGAGTCTTTGGCTGAACAAAATTTGTTTATGATGCCAGAAGTTTTTTGT[T>G]CAGAACAAAAATTTGATCCTGAACTCAATGATCTTTCTTTTTTTTTTACAAGGCTGTTTT-3'
Protein context (NP_001263199.1, residues 316-336): SLSSGSNFCS[Glu326Ala]QKTSGIINKF